The following is an entry in ClinVar:

ClinVar aggregate classification (germline): Uncertain significance (1 of 4 stars; one submission).

Allele frequency attached by ClinVar (database versions not stated): ExAC 0.00001; gnomAD exomes 0.00001.

Submission:

Labcorp Genetics (formerly Invitae), Labcorp
Classification: Uncertain significance. Last evaluated: 2023-10-13. Review status: criteria provided, single submitter. Criteria: Invitae Variant Classification Sherloc (09022015). Collection method: clinical testing. Allele origin: germline.
Comment: This sequence change affects a donor splice site in intron 2 of the JAK1 gene. It is expected to disrupt RNA splicing. Variants that disrupt the donor or acceptor splice site typically lead to a loss of protein function (PMID: 16199547), however the current clinical and genetic evidence is not sufficient to establish whether loss-of-function variants in JAK1 cause disease. This variant is present in population databases (rs753624838, gnomAD 0.004%). This variant has not been reported in the literature in individuals affected with JAK1-related conditions. ClinVar contains an entry for this variant (Variation ID: 1396064). In summary, the available evidence is currently insufficient to determine the role of this variant in disease. Therefore, it has been classified as a Variant of Uncertain Significance.

Literature cited by the submitters: PubMed 16199547.

NM_002227.4(JAK1):c.6+2T>C

Gene: JAK1 (Janus kinase 1; minus strand). Cytogenetic location: 1p31.3.
Variant type: single nucleotide variant.
Coding change: c.6+2T>C on transcript NM_002227.4 (MANE Select); the canonical splice donor site of the intron after coding-DNA position 6, T replaced by C.
Molecular consequence: splice donor variant.
Genome position (GRCh38, 1-based): chr1:64,886,257, A>G on the plus strand (T>C on the coding strand, the complement: JAK1 is on the minus strand). VCF-style: chr1-64886257-A-G. GRCh37 (hg19) VCF-style: chr1-65351940-A-G.
Other names: c.6+2T>C (NM_001321852.2, NM_001321854.2, NM_001321853.2 and 4 more transcripts).
Identifiers: ClinVar variation 1396064 (VCV001396064.6), dbSNP rs753624838, ClinGen allele CA893281.